The following is an entry in ClinVar:

NM_000051.4(ATM):c.7169T>C (p.Leu2390Ser)

Genes: ATM (ATM serine/threonine kinase; plus strand), C11orf65 (chromosome 11 open reading frame 65; minus strand). Cytogenetic location: 11q22.3.
Variant type: single nucleotide variant.
Coding change: c.7169T>C on transcript NM_000051.4 (MANE Select); coding-DNA position 7169, T replaced by C.
Protein change: p.Leu2390Ser; replaces leucine 2390 with serine.
Molecular consequence: missense variant. On other transcripts: intron variant (2).
Genome position (GRCh38, 1-based): chr11:108,329,100, T>C. VCF-style: chr11-108329100-T-C. GRCh37 (hg19) VCF-style: chr11-108199827-T-C.
Other names: c.7169T>C, p.Leu2390Ser (NM_001351834.2); c.641-20029A>G (NM_001330368.2); c.*38+6120A>G (NM_001351110.2); short protein forms L2390S.
Identifiers: ClinVar variation 2705814 (VCV002705814.3), dbSNP rs2547248257, ClinGen allele CA382559550.

ClinVar aggregate classification (germline): Uncertain significance (1 of 4 stars; one submission).

Conditions:
Ataxia-telangiectasia syndrome (AT). Also called: LOUIS-BAR SYNDROME; Cerebello-oculocutaneous telangiectasia; Immunodeficiency with ataxia telangiectasia; Ataxia telangiectasia (A-T); Ataxia-telangiectasia, complementation group D; AT, COMPLEMENTATION GROUP C. Identifiers: Orphanet 100, MedGen C0004135, MONDO:0008840, OMIM 208900.

Submission:

Labcorp Genetics (formerly Invitae), Labcorp
Classification: Uncertain significance for Ataxia-telangiectasia syndrome. Last evaluated: 2023-12-27. Review status: criteria provided, single submitter. Criteria: Invitae Variant Classification Sherloc (09022015). Collection method: clinical testing. Allele origin: germline.
Comment: This sequence change replaces leucine, which is neutral and non-polar, with serine, which is neutral and polar, at codon 2390 of the ATM protein (p.Leu2390Ser). This variant is not present in population databases (gnomAD no frequency). This variant has not been reported in the literature in individuals affected with ATM-related conditions. An algorithm developed to predict the effect of missense changes on protein structure and function (PolyPhen-2) suggests that this variant is likely to be disruptive. In summary, the available evidence is currently insufficient to determine the role of this variant in disease. Therefore, it has been classified as a Variant of Uncertain Significance.